The following is an entry in ClinVar:

ClinVar aggregate classification (germline): Likely benign. Review status: criteria provided, multiple submitters, no conflicts (2 of 4 stars). 3 submissions from 3 submitters: Likely benign (3). Last evaluated 2024-05-13.

Conditions:
Arrhythmogenic right ventricular dysplasia 8 (ARVD8). Also called: Arrhythmogenic Right Ventricular Dysplasia/Cardiomyopathy 8; ARRHYTHMOGENIC RIGHT VENTRICULAR DYSPLASIA, FAMILIAL, 8; ARRHYTHMOGENIC RIGHT VENTRICULAR CARDIOMYOPATHY 8. Identifiers: MedGen C1843896, MONDO:0011831, OMIM 607450.
Arrhythmogenic cardiomyopathy with wooly hair and keratoderma. Also called: Dilated cardiomyopathy with woolly hair and keratoderma; PALMOPLANTAR KERATODERMA WITH LEFT VENTRICULAR CARDIOMYOPATHY AND WOOLLY HAIR; Carvajal syndrome; Arrhythmogenic cardiomyopathy with woolly hair and keratoderma. Identifiers: Orphanet 65282, MedGen C1854063, MONDO:0011581, OMIM 605676.

Submissions (3):

Labcorp Genetics (formerly Invitae), Labcorp
Classification: Likely benign for Arrhythmogenic cardiomyopathy with wooly hair and keratoderma; Arrhythmogenic right ventricular dysplasia 8. Last evaluated: 2024-05-13. Review status: criteria provided, single submitter. Criteria: Invitae Variant Classification Sherloc (09022015). Collection method: clinical testing. Allele origin: germline.

Blueprint Genetics
Classification: Likely benign. Last evaluated: 2020-12-20. Review status: criteria provided, single submitter. Criteria: ACMG Guidelines, 2015. Collection method: clinical testing. Allele origin: germline.

GeneDx
Classification: Likely benign. Last evaluated: 2016-02-29. Review status: criteria provided, single submitter. Criteria: GeneDx Variant Classification (06012015). Collection method: clinical testing. Allele origin: germline. Affected: yes.
Comment: This variant is considered likely benign or benign based on one or more of the following criteria: it is a conservative change, it occurs at a poorly conserved position in the protein, it is predicted to be benign by multiple in silico algorithms, and/or has population frequency not consistent with disease.

NM_004415.4(DSP):c.2297+14A>C

Gene: DSP (desmoplakin; plus strand). Cytogenetic location: 6p24.3.
Variant type: single nucleotide variant.
Coding change: c.2297+14A>C on transcript NM_004415.4 (MANE Select); 14 bases into the intron after coding-DNA position 2297, A replaced by C.
Molecular consequence: intron variant.
Genome position (GRCh38, 1-based): chr6:7,574,266, A>C. VCF-style: chr6-7574266-A-C. GRCh37 (hg19) VCF-style: chr6-7574499-A-C.
Other names: c.2297+14A>C (NM_001319034.2, NM_001008844.3, LRG_423t1).
Identifiers: ClinVar variation 377808 (VCV000377808.10), dbSNP rs1057520278, ClinGen allele CA16604986.